The following is an entry in ClinVar:

NM_000212.3(ITGB3):c.1143A>C (p.Val381=)

Gene: ITGB3 (integrin subunit beta 3; plus strand). Cytogenetic location: 17q21.32.
Variant type: single nucleotide variant.
Coding change: c.1143A>C on transcript NM_000212.3 (MANE Select); coding-DNA position 1143, A replaced by C.
Protein change: p.Val381=; no amino-acid change (valine 381 retained).
Molecular consequence: synonymous variant.
Genome position (GRCh38, 1-based): chr17:47,290,971, A>C. VCF-style: chr17-47290971-A-C. GRCh37 (hg19) VCF-style: chr17-45368337-A-C.
Other names: c.1143A>C (NM_000212.2).
Identifiers: ClinVar variation 255535 (VCV000255535.26), dbSNP rs15908, ClinGen allele CA8623175.
Genomic context (GRCh38, chr17:47,290,971, plus strand): 5'-TTTCAGTTCAATTTCTTGTCTTCTTGTGCCCCTTTCTGCTCAGAAAATCCGTTCTAAAGT[A>C]GAGCTGGAAGTGCGTGACCTCCCTGAAGAGTTGTCTCTATCCTTCAATGCCACCTGCCTC-3'
Protein context (NP_000203.2, residues 371-391): VDAYGKIRSK[Val381=]ELEVRDLPEE

ClinVar aggregate classification (germline): Benign. Review status: reviewed by expert panel (3 of 4 stars). 11 submissions from 11 submitters: Benign (1). 10 of the submissions do not count toward it. Last evaluated 2020-09-04.

Conditions:
Glanzmann thrombasthenia. Also called: PLATELET GLYCOPROTEIN IIb-IIIa DEFICIENCY; THROMBASTHENIA OF GLANZMANN AND NAEGELI; Glanzmann's thrombasthenia; Thrombasthenia. Identifiers: Orphanet 849, MedGen C0040015, MONDO:0100326.

Allele frequency attached by ClinVar (database versions not stated): ESP Exome Variant Server 0.38505; TOPMed 0.39718; 1000 Genomes Project 30x 0.42614; 1000 Genomes Project 0.43111.
gnomAD v4.1: 601,028 of 1,613,444 alleles (37%); highest among the groups gnomAD compares: East Asian, 56%; 114,667 homozygotes.

Submissions (11):

ClinGen Platelet Disorders Variant Curation Expert Panel, ClinGen
Classification: Benign for Glanzmann thrombasthenia. Last evaluated: 2020-09-04. Review status: reviewed by expert panel. Criteria: ClinGen Platelet ACMG Specifications v2. Collection method: curation. Allele origin: germline. Inheritance: Autosomal recessive inheritance.
Comment: The ITGB3 synonymous variant NM_000212.2:c.1143A>C is very common in control population databases, with an overall allele frequency of 0.38777 in gnomAD v2.1.1. Note that initial reports of variation at this nucleotide position referred to the current reference allele as the variant at this position (c.1143C>A; PMID: 8878424, PMID: 20020534, and PMID: 25728920), however this reported "variant" is now considered the reference allele. In summary, this variant meets criteria to be classified as benign for GT. GT-specific criteria applied: BA1.

Labcorp Genetics (formerly Invitae), Labcorp
Classification: Benign. Last evaluated: 2026-02-04. Review status: criteria provided, single submitter. Criteria: Invitae Variant Classification Sherloc (09022015). Collection method: clinical testing. Allele origin: germline. Not counted in ClinVar's aggregate classification.

Women's Health and Genetics/Laboratory Corporation of America, LabCorp
Classification: Benign. Last evaluated: 2026-01-10. Review status: criteria provided, single submitter. Criteria: LabCorp Variant Classification Summary - May 2015. Collection method: clinical testing. Allele origin: germline. Not counted in ClinVar's aggregate classification.

Blueprint Genetics
Classification: Likely benign. Last evaluated: 2024-11-28. Review status: criteria provided, single submitter. Criteria: ACMG Guidelines, 2015. Collection method: clinical testing. Allele origin: germline. Not counted in ClinVar's aggregate classification.

Mayo Clinic Laboratories, Mayo Clinic
Classification: Benign. Last evaluated: 2022-09-29. Review status: criteria provided, single submitter. Criteria: ACMG Guidelines, 2015. Collection method: clinical testing. Allele origin: germline. Observed: 362 variant alleles. Not counted in ClinVar's aggregate classification.

GeneDx
Classification: Benign. Last evaluated: 2018-06-19. Review status: criteria provided, single submitter. Criteria: GeneDx Variant Classification (06012015). Collection method: clinical testing. Allele origin: germline. Affected: yes. Not counted in ClinVar's aggregate classification.
Comment: This variant is considered likely benign or benign based on one or more of the following criteria: it is a conservative change, it occurs at a poorly conserved position in the protein, it is predicted to be benign by multiple in silico algorithms, and/or has population frequency not consistent with disease.

Illumina Laboratory Services, Illumina
Classification: Benign for Glanzmann thrombasthenia 1. Last evaluated: 2018-01-13. Review status: criteria provided, single submitter. Criteria: ICSL Variant Classification Criteria 13 December 2019. Collection method: clinical testing. Allele origin: germline. Not counted in ClinVar's aggregate classification.
Comment: This variant was observed in the ICSL laboratory as part of a predisposition screen in an ostensibly healthy population. It had not been previously curated by ICSL or reported in the Human Gene Mutation Database (HGMD: prior to June 1st, 2018), and was therefore a candidate for classification through an automated scoring system. Utilizing variant allele frequency, disease prevalence and penetrance estimates, and inheritance mode, an automated score was calculated to assess if this variant is too frequent to cause the disease. Based on the score and internal cut-off values, a variant classified as benign is not then subjected to further curation. The score for this variant resulted in a classification of benign for this disease.

Breakthrough Genomics
Classification: Benign. Review status: criteria provided, single submitter. Criteria: ACMG Guidelines, 2015. Collection method: not provided. Allele origin: germline. Inheritance: Autosomal recessive inheritance. Affected: yes. Not counted in ClinVar's aggregate classification.

PreventionGenetics, part of Exact Sciences
Classification: Benign. Review status: criteria provided, single submitter. Criteria: ACMG Guidelines, 2015. Collection method: clinical testing. Allele origin: germline. Not counted in ClinVar's aggregate classification.

Diagnostic Laboratory, Department of Genetics, University Medical Center Groningen
Classification: Benign. Review status: no assertion criteria provided. Collection method: clinical testing. Allele origin: germline. Affected: yes. Study: VKGL Data-share Consensus. Not counted in ClinVar's aggregate classification.

Joint Genome Diagnostic Labs from Nijmegen and Maastricht, Radboudumc and MUMC+
Classification: Benign. Review status: no assertion criteria provided. Collection method: clinical testing. Allele origin: germline. Affected: yes. Study: VKGL Data-share Consensus. Not counted in ClinVar's aggregate classification.